The following is an entry in ClinVar:

NM_001360.3(DHCR7):c.736G>A (p.Val246Ile)

Gene: DHCR7 (7-dehydrocholesterol reductase; minus strand). Cytogenetic location: 11q13.4.
Variant type: single nucleotide variant.
Coding change: c.736G>A on transcript NM_001360.3 (MANE Select); coding-DNA position 736, G replaced by A.
Protein change: p.Val246Ile; replaces valine 246 with isoleucine.
Molecular consequence: missense variant.
Genome position (GRCh38, 1-based): chr11:71,438,974, C>T on the plus strand (G>A on the coding strand, the complement: DHCR7 is on the minus strand). VCF-style: chr11-71438974-C-T. GRCh37 (hg19) VCF-style: chr11-71150020-C-T.
Other names: c.736G>A, p.Val246Ile (NM_001163817.2); short protein forms V246I.
Identifiers: ClinVar variation 881217 (VCV000881217.7), dbSNP rs759967245, ClinGen allele CA6162476.

ClinVar aggregate classification (germline): Uncertain significance. Review status: criteria provided, multiple submitters, no conflicts (2 of 4 stars). 4 submissions from 4 submitters: Uncertain significance (4). Last evaluated 2025-11-06.

Conditions:
DHCR7-related disorder. Also called: DHCR7-related condition.
Inborn genetic diseases. Identifiers: MedGen C0950123, MeSH D030342.
Smith-Lemli-Opitz syndrome (SLOS). Also called: 7-Dehydrocholesterol reductase deficiency; LETHAL ACRODYSGENITAL SYNDROME; POLYDACTYLY, SEX REVERSAL, RENAL HYPOPLASIA, AND UNILOBAR LUNG; RSH SYNDROME; RUTLEDGE LETHAL MULTIPLE CONGENITAL ANOMALY SYNDROME. Identifiers: Orphanet 818, MedGen C0175694, MONDO:0010035, OMIM 270400.

Allele frequency attached by ClinVar (database versions not stated): TOPMed 0.00001; ExAC 0.00002; gnomAD exomes 0.00002 and 0.00006; gnomAD 0.00003.
gnomAD v4.1: 98 of 1,614,086 alleles (0.0061%); highest among the groups gnomAD compares: Middle Eastern, 0.033%; no homozygotes.

Submissions (4):

PreventionGenetics, part of Exact Sciences
Classification: Uncertain significance for DHCR7-related condition. Last evaluated: 2025-11-06. Review status: criteria provided, single submitter. Criteria: ACMG Guidelines, 2015. Collection method: clinical testing. Allele origin: germline.
Comment: The DHCR7 c.736G>A variant is predicted to result in the amino acid substitution p.Val246Ile. To our knowledge, this variant has not been reported in the literature. This variant is reported in 0.0056% of alleles in individuals of Latino descent in gnomAD. At this time, the clinical significance of this variant is uncertain due to the absence of conclusive functional and genetic evidence.

Ambry Genetics
Classification: Uncertain significance for Inborn genetic diseases. Last evaluated: 2022-07-30. Review status: criteria provided, single submitter. Criteria: Ambry Variant Classification Scheme 2023. Collection method: clinical testing. Allele origin: germline.

Blueprint Genetics
Classification: Uncertain significance. Last evaluated: 2021-08-26. Review status: criteria provided, single submitter. Criteria: ACMG Guidelines, 2015. Collection method: clinical testing. Allele origin: germline.

Illumina Laboratory Services, Illumina
Classification: Uncertain significance for Smith-Lemli-Opitz syndrome. Last evaluated: 2018-01-12. Review status: criteria provided, single submitter. Criteria: ICSL Variant Classification Criteria 13 December 2019. Collection method: clinical testing. Allele origin: germline.